The following is an entry in ClinVar:

NM_001267550.2(TTN):c.45591A>G (p.Arg15197=)

Genes: TTN (titin; minus strand), LOC126806427 (BRD4-independent group 4 enhancer GRCh37_chr2:179485777-179486976; plus strand). Cytogenetic location: 2q31.2.
Variant type: single nucleotide variant.
Coding change: c.45591A>G on transcript NM_001267550.2 (MANE Select); coding-DNA position 45591, A replaced by G.
Protein change: p.Arg15197=; no amino-acid change (arginine 15197 retained).
Molecular consequence: synonymous variant.
Genome position (GRCh38, 1-based): chr2:178,621,127, T>C on the plus strand (A>G on the coding strand, the complement: TTN is on the minus strand). VCF-style: chr2-178621127-T-C. GRCh37 (hg19) VCF-style: chr2-179485854-T-C.
Other names: c.40668A>G, p.Arg13556= (NM_001256850.1); c.18396A>G, p.Arg6132= (NM_003319.4); c.37887A>G, p.Arg12629= (NM_133378.4); c.18771A>G, p.Arg6257= (NM_133432.3); c.18972A>G, p.Arg6324= (NM_133437.4).
Identifiers: ClinVar variation 514087 (VCV000514087.3), dbSNP rs777451653, ClinGen allele CA430276055.

ClinVar aggregate classification (germline): Likely benign. Review status: criteria provided, multiple submitters, no conflicts (2 of 4 stars). 2 submissions from 2 submitters: Likely benign (2). Last evaluated 2024-10-09.

Conditions:
Autosomal recessive limb-girdle muscular dystrophy type 2J (LGMDR10). Also called: MUSCULAR DYSTROPHY, LIMB-GIRDLE, AUTOSOMAL RECESSIVE 10; Limb-girdle muscular dystrophy, type 2J. Identifiers: Orphanet 140922, MedGen C1837342, MONDO:0012127, OMIM 608807.
Dilated cardiomyopathy 1G (CMD1G). Identifiers: Orphanet 154, MedGen C1858763, MONDO:0011400, OMIM 604145.

Submissions (2):

Labcorp Genetics (formerly Invitae), Labcorp
Classification: Likely benign for Dilated cardiomyopathy 1G; Autosomal recessive limb-girdle muscular dystrophy type 2J. Last evaluated: 2024-10-09. Review status: criteria provided, single submitter. Criteria: Invitae Variant Classification Sherloc (09022015). Collection method: clinical testing. Allele origin: germline.

GeneDx
Classification: Likely benign. Last evaluated: 2017-12-11. Review status: criteria provided, single submitter. Criteria: GeneDx Variant Classification (06012015). Collection method: clinical testing. Allele origin: germline. Affected: yes.
Comment: This variant is considered likely benign or benign based on one or more of the following criteria: it is a conservative change, it occurs at a poorly conserved position in the protein, it is predicted to be benign by multiple in silico algorithms, and/or has population frequency not consistent with disease.